The following is an entry in ClinVar:

NM_001928.4(CFD):c.430C>T (p.Pro144Ser)

Gene: CFD (complement factor D; plus strand). Cytogenetic location: 19p13.3.
Variant type: single nucleotide variant.
Coding change: c.430C>T on transcript NM_001928.4 (MANE Select); coding-DNA position 430, C replaced by T.
Protein change: p.Pro144Ser; replaces proline 144 with serine.
Molecular consequence: missense variant.
Genome position (GRCh38, 1-based): chr19:861,771, C>T. VCF-style: chr19-861771-C-T. GRCh37 (hg19) VCF-style: chr19-861771-C-T.
Other names: c.451C>T, p.Pro151Ser (NM_001317335.2); short protein forms P144S, P151S.
Identifiers: ClinVar variation 1379556 (VCV001379556.8), dbSNP rs1268680216, ClinGen allele CA402922587.
Genomic context (GRCh38, chr19:861,771, plus strand): 5'-GCCACACTGGGCCCTGCTGTGCGCCCCCTGCCCTGGCAGCGCGTGGACCGCGACGTGGCA[C>T]CGGGAACTCTCTGCGACGTGGCCGGCTGGGGCATAGTCAACCACGCGGGCCGCCGCCCGG-3'
Protein context (NP_001919.2, residues 134-154): PWQRVDRDVA[Pro144Ser]GTLCDVAGWG

ClinVar aggregate classification (germline): Uncertain significance (1 of 4 stars; one submission).

Allele frequency attached by ClinVar (database versions not stated): gnomAD 0.00001; TOPMed 0.00002.

Submission:

Labcorp Genetics (formerly Invitae), Labcorp
Classification: Uncertain significance. Last evaluated: 2022-02-04. Review status: criteria provided, single submitter. Criteria: Invitae Variant Classification Sherloc (09022015). Collection method: clinical testing. Allele origin: germline.
Comment: This sequence change replaces proline, which is neutral and non-polar, with serine, which is neutral and polar, at codon 144 of the CFD protein (p.Pro144Ser). In summary, the available evidence is currently insufficient to determine the role of this variant in disease. Therefore, it has been classified as a Variant of Uncertain Significance. Algorithms developed to predict the effect of missense changes on protein structure and function are either unavailable or do not agree on the potential impact of this missense change (SIFT: "Not Available"; PolyPhen-2: "Benign"; Align-GVGD: "Not Available"). This variant has not been reported in the literature in individuals affected with CFD-related conditions. This variant is not present in population databases (gnomAD no frequency).